The following is an entry in ClinVar:

NM_005883.3(APC2):c.1208-11T>G

Gene: APC2 (APC regulator of Wnt signaling pathway 2; plus strand). Cytogenetic location: 19p13.3.
Variant type: single nucleotide variant.
Coding change: c.1208-11T>G on transcript NM_005883.3 (MANE Select); 11 bases into the intron before coding-DNA position 1208, T replaced by G.
Molecular consequence: intron variant.
Genome position (GRCh38, 1-based): chr19:1,457,954, T>G. VCF-style: chr19-1457954-T-G. GRCh37 (hg19) VCF-style: chr19-1457953-T-G.
Other names: c.1205-11T>G (NM_001351273.1).
Identifiers: ClinVar variation 4685389 (VCV004685389.1).

ClinVar aggregate classification (germline): Uncertain significance (1 of 4 stars; one submission).

Submission:

GeneDx
Classification: Uncertain significance. Last evaluated: 2025-07-08. Review status: criteria provided, single submitter. Criteria: GeneDx Variant Classification Process June 2021. Collection method: clinical testing. Allele origin: germline. Affected: yes.
Comment: Not observed at significant frequency in large population cohorts (gnomAD); In silico analysis suggests this variant may impact gene splicing. In the absence of RNA/functional studies, the actual effect of this sequence change is unknown.; Has not been previously published as pathogenic or benign to our knowledge